The following is an entry in ClinVar:

ClinVar aggregate classification (germline): Benign (1 of 4 stars; one submission).

Allele frequency attached by ClinVar (database versions not stated): TOPMed 0.15607; 1000 Genomes Project 0.15635; 1000 Genomes Project 30x 0.16021; gnomAD 0.16544 and 0.16749.
gnomAD v4.1: 25,011 of 152,024 alleles (16%); highest among the groups gnomAD compares: African/African-American, 23%; 2,319 homozygotes.

Submission:

GeneDx
Classification: Benign. Last evaluated: 2018-06-19. Review status: criteria provided, single submitter. Criteria: GeneDx Variant Classification (06012015). Collection method: clinical testing. Allele origin: germline. Affected: yes.
Comment: This variant is considered likely benign or benign based on one or more of the following criteria: it is a conservative change, it occurs at a poorly conserved position in the protein, it is predicted to be benign by multiple in silico algorithms, and/or has population frequency not consistent with disease.

NM_020822.3(KCNT1):c.1036-206G>A

Gene: KCNT1 (potassium sodium-activated channel subfamily T member 1; plus strand). Cytogenetic location: 9q34.3.
Variant type: single nucleotide variant.
Coding change: c.1036-206G>A on transcript NM_020822.3 (MANE Select); 206 bases into the intron before coding-DNA position 1036, G replaced by A.
Molecular consequence: intron variant.
Genome position (GRCh38, 1-based): chr9:135,764,825, G>A. VCF-style: chr9-135764825-G-A. GRCh37 (hg19) VCF-style: chr9-138656671-G-A.
Other names: c.901-206G>A (NM_001272003.2).
Identifiers: ClinVar variation 682104 (VCV000682104.1), dbSNP rs11103174, ClinGen allele CA13060516.